The following is an entry in ClinVar:

ClinVar aggregate classification (germline): Pathogenic (1 of 4 stars; one submission).

Conditions:
CHARGE syndrome (CHARGE). Also called: Hittner Hirsch Kreh syndrome; Coloboma, heart anomaly, choanal atresia, retardation, genital and ear anomalies; CHARGE association; Hall-Hittner syndrome; CHARGE ASSOCIATION--COLOBOMA, HEART ANOMALY, CHOANAL ATRESIA, RETARDATION, GENITAL AND EAR ANOMALIES. Identifiers: Orphanet 138, MedGen C0265354, MONDO:0008965.

Submission:

Labcorp Genetics (formerly Invitae), Labcorp
Classification: Pathogenic for CHARGE syndrome. Last evaluated: 2018-05-01. Review status: criteria provided, single submitter. Criteria: Invitae Variant Classification Sherloc (09022015). Collection method: clinical testing. Allele origin: germline.
Comment: This variant has not been reported in the literature in individuals with CHD7-related disease. Loss-of-function variants in CHD7 are known to be pathogenic (PMID: 22461308, 25077900). For these reasons, this variant has been classified as Pathogenic. This sequence change creates a premature translational stop signal (p.Ala2297Serfs*5) in the CHD7 gene. It is expected to result in an absent or disrupted protein product. This variant is not present in population databases (ExAC no frequency).

Literature cited by the submitters: PubMed 22461308; PubMed 25077900.

NM_017780.4(CHD7):c.6888_6889del (p.Ala2297fs)

Gene: CHD7 (chromodomain helicase DNA binding protein 7; plus strand). Cytogenetic location: 8q12.2.
Variant type: Deletion.
Coding change: c.6888_6889del on transcript NM_017780.4 (MANE Select); coding-DNA positions 6888 to 6889, 2 bases deleted (AG; older notation c.6888_6889delAG).
Protein change: p.Ala2297fs; shifts the reading frame from alanine 2297.
Molecular consequence: frameshift variant. On other transcripts: intron variant (1).
Genome position (GRCh38, 1-based): chr8:60,854,475-60,854,476, AG deleted. VCF-style (leftmost placement, unchanged base first): chr8-60854474-TAG-T. GRCh37 (hg19) VCF-style: chr8-61767033-TAG-T.
Other names: c.1717-7754_1717-7753del (NM_001316690.1); short protein forms A2297fs.
Identifiers: ClinVar variation 567248 (VCV000567248.6), dbSNP rs1563662791, ClinGen allele CA891842504.